The following is an entry in ClinVar:

ClinVar aggregate classification (germline): Uncertain significance. Review status: criteria provided, multiple submitters, no conflicts (2 of 4 stars). 4 submissions from 4 submitters: Uncertain significance (4). Last evaluated 2025-04-17.

Conditions:
Isolated focal cortical dysplasia type II (FCORD2). Also called: CORTICAL DYSPLASIA OF TAYLOR; Focal cortical dysplasia type II. Identifiers: Orphanet 268994, MedGen C1846385, MONDO:0011818, OMIM 607341, HP:0032051.
Lymphangiomyomatosis (LAM). Also called: Lymphangioleiomyomatosis, somatic; Lymphangioleiomyomatosis. Identifiers: Orphanet 538, MedGen C0751674, MONDO:0011705, OMIM 606690.
Tuberous sclerosis 2 (TSC2). Identifiers: Orphanet 805, MedGen C1860707, MONDO:0013199, OMIM 613254.
Hereditary cancer-predisposing syndrome. Also called: Tumor predisposition; Neoplastic Syndromes, Hereditary; Hereditary Cancer Syndrome; Hereditary neoplastic syndrome. Identifiers: Orphanet 140162, MedGen C0027672, MeSH D009386, MONDO:0015356.
Tuberous sclerosis syndrome (TSC). Also called: Tuberous Sclerosis Complex; Tuberous sclerosis. Identifiers: Orphanet 805, MedGen C0041341, MONDO:0001734.

Allele frequency attached by ClinVar (database versions not stated): gnomAD exomes below 0.00001; TOPMed below 0.00001; gnomAD 0.00001.

Submissions (4):

Labcorp Genetics (formerly Invitae), Labcorp
Classification: Uncertain significance for Tuberous sclerosis 2. Last evaluated: 2025-04-17. Review status: criteria provided, single submitter. Criteria: Invitae Variant Classification Sherloc (09022015). Collection method: clinical testing. Allele origin: germline.
Comment: This sequence change replaces isoleucine, which is neutral and non-polar, with valine, which is neutral and non-polar, at codon 342 of the TSC2 protein (p.Ile342Val). This variant is not present in population databases (gnomAD no frequency). This variant has not been reported in the literature in individuals affected with TSC2-related conditions. ClinVar contains an entry for this variant (Variation ID: 405948). Invitae Evidence Modeling of protein sequence and biophysical properties (such as structural, functional, and spatial information, amino acid conservation, physicochemical variation, residue mobility, and thermodynamic stability) indicates that this missense variant is not expected to disrupt TSC2 protein function with a negative predictive value of 95%. In summary, the available evidence is currently insufficient to determine the role of this variant in disease. Therefore, it has been classified as a Variant of Uncertain Significance.

Ambry Genetics
Classification: Uncertain significance for Hereditary cancer-predisposing syndrome. Last evaluated: 2024-05-09. Review status: criteria provided, single submitter. Criteria: Ambry Variant Classification Scheme 2023. Collection method: clinical testing. Allele origin: germline.
Comment: The p.I342V variant (also known as c.1024A>G), located in coding exon 10 of the TSC2 gene, results from an A to G substitution at nucleotide position 1024. The isoleucine at codon 342 is replaced by valine, an amino acid with highly similar properties. This amino acid position is conserved. In addition, this alteration is predicted to be tolerated by in silico analysis. Since supporting evidence is limited at this time, the clinical significance of this alteration remains unclear.

Fulgent Genetics
Classification: Uncertain significance for Lymphangiomyomatosis; Isolated focal cortical dysplasia type II; Tuberous sclerosis 2. Last evaluated: 2024-01-17. Review status: criteria provided, single submitter. Criteria: ACMG Guidelines, 2015. Collection method: clinical testing. Allele origin: germline.

All of Us Research Program, National Institutes of Health
Classification: Uncertain significance for Tuberous sclerosis syndrome. Last evaluated: 2023-11-30. Review status: criteria provided, single submitter. Criteria: ACMG Guidelines, 2015. Collection method: clinical testing. Allele origin: germline. Inheritance: Autosomal dominant inheritance. Observed: 1 variant allele, 1 heterozygote.
Comment: This study involves interpretation of variants in research participants for the purpose of population health screening. Participant phenotype was not available at the time of variant classification. Additional details can be found in publication PMID: 35346344, PMCID: PMC8962531

NM_000548.5(TSC2):c.1024A>G (p.Ile342Val)

Gene: TSC2 (TSC complex subunit 2; plus strand). Cytogenetic location: 16p13.3.
Variant type: single nucleotide variant.
Coding change: c.1024A>G on transcript NM_000548.5 (MANE Select); coding-DNA position 1024, A replaced by G.
Protein change: p.Ile342Val; replaces isoleucine 342 with valine.
Molecular consequence: missense variant.
Genome position (GRCh38, 1-based): chr16:2,060,718, A>G. VCF-style: chr16-2060718-A-G. GRCh37 (hg19) VCF-style: chr16-2110719-A-G.
Other names: c.1024A>G, p.Ile342Val (NM_001077183.3, NM_001114382.3, NM_001363528.2 and 3 more transcripts); c.913A>G, p.Ile305Val (NM_001318827.2); c.877A>G, p.Ile293Val (NM_001318829.2); c.424A>G, p.Ile142Val (NM_001318831.2); c.1057A>G, p.Ile353Val (NM_001318832.2); short protein forms I342V, I293V, I142V, I305V, I353V.
Identifiers: ClinVar variation 405948 (VCV000405948.14), dbSNP rs1060500913, ClinGen allele CA16614648.
Genomic context (GRCh38, chr16:2,060,718, plus strand): 5'-CTCGTGTTCCAGGCCATGGCATGTCCGAACGAGGTGGTGTCCTATGAGATCGTCCTGTCC[A>G]TCACCAGGCTCATCAAGAAGTATAGGAAGGAGCTCCAGGTGGTGGCGTGGGACATTCTGC-3'
Protein context (NP_000539.2, residues 332-352): EVVSYEIVLS[Ile342Val]TRLIKKYRKE